The following is an entry in ClinVar:

NM_024685.4(BBS10):c.2044dup (p.Met682fs)

Gene: BBS10 (Bardet-Biedl syndrome 10; minus strand). Cytogenetic location: 12q21.2.
Variant type: Duplication.
Coding change: c.2044dup on transcript NM_024685.4 (MANE Select); coding-DNA position 2044, one base duplicated (A; older notation c.2044dupA).
Protein change: p.Met682fs; shifts the reading frame from methionine 682.
Molecular consequence: frameshift variant.
Genome position (GRCh38, 1-based): chr12:76,345,941, T duplicated on the plus strand (A on the coding strand, the reverse complement: BBS10 is on the minus strand); the first of 2 consecutive T bases (chr12:76,345,941-76,345,942); duplicating either gives the same sequence. VCF-style (leftmost placement, unchanged base first): chr12-76345940-A-AT. GRCh37 (hg19) VCF-style: chr12-76739720-A-AT.
Other names: short protein forms M682fs.
Identifiers: ClinVar variation 1454610 (VCV001454610.6), dbSNP rs2136089682, ClinGen allele CA2573148985.
Genomic context (GRCh38, chr12:76,345,940, plus strand): 5'-TCAATGGTTAATATTTTTGTCAAACACTGAAGAACTGAAGTTAGTAGCTGGTATTTACCC[A>AT]TTACTGATTCCAAACCTGTCTGACTGCTTACCAAGGGTTGATTGGTTTGCAGTGCATGGA-3'

ClinVar aggregate classification (germline): Pathogenic (1 of 4 stars; one submission).

Conditions:
Bardet-Biedl syndrome (BBS). Identifiers: Orphanet 110, MedGen C0752166, MONDO:0015229.

Submission:

Labcorp Genetics (formerly Invitae), Labcorp
Classification: Pathogenic for Bardet-Biedl syndrome. Last evaluated: 2021-08-03. Review status: criteria provided, single submitter. Criteria: Invitae Variant Classification Sherloc (09022015). Collection method: clinical testing. Allele origin: germline.
Comment: For these reasons, this variant has been classified as Pathogenic. This variant disrupts a region of the BBS10 protein in which other variant(s) (p.Val707*) have been determined to be pathogenic (PMID: 20472660, 22773737, 25982971, 27486776). This suggests that this is a clinically significant region of the protein, and that variants that disrupt it are likely to be disease-causing. This variant has not been reported in the literature in individuals affected with BBS10-related conditions. This variant is not present in population databases (ExAC no frequency). This sequence change creates a premature translational stop signal (p.Met682Asnfs*3) in the BBS10 gene. While this is not anticipated to result in nonsense mediated decay, it is expected to disrupt the last 42 amino acid(s) of the BBS10 protein.

Literature cited by the submitters: PubMed 20472660; PubMed 22773737; PubMed 25982971; PubMed 27486776.